The following is an entry in ClinVar:

NM_000089.4(COL1A2):c.1541G>A (p.Gly514Asp)

Gene: COL1A2 (collagen type I alpha 2 chain; plus strand). Cytogenetic location: 7q21.3.
Variant type: single nucleotide variant.
Coding change: c.1541G>A on transcript NM_000089.4 (MANE Select); coding-DNA position 1541, G replaced by A.
Protein change: p.Gly514Asp; replaces glycine 514 with aspartic acid.
Molecular consequence: missense variant.
Genome position (GRCh38, 1-based): chr7:94,413,120, G>A. VCF-style: chr7-94413120-G-A. GRCh37 (hg19) VCF-style: chr7-94042432-G-A.
Other names: short protein forms G514D.
Identifiers: ClinVar variation 3756064 (VCV003756064.2).
Genomic context (GRCh38, chr7:94,413,120, plus strand): 5'-TTTGTTTTTCATTTTTACTCTAGGGTGATCCTGGCAAAAACGGTGATAAAGGTCATGCTG[G>A]TCTTGCTGGTGCTCGGGTAGGTGCTAACTTGTGTACAGATCTATTCACATAGCATTCATC-3'
Protein context (NP_000080.2, residues 504-524): PGKNGDKGHA[Gly514Asp]LAGARGAPGP

ClinVar aggregate classification (germline): Likely pathogenic (1 of 4 stars; one submission).

Conditions:
Ehlers-Danlos syndrome, classic type, 1 (EDSCL1). Also called: EHLERS-DANLOS SYNDROME, GRAVIS TYPE; EHLERS-DANLOS SYNDROME, SEVERE CLASSIC TYPE; Ehlers-Danlos syndrome, type 1; Ehlers-Danlos Syndrome, Classic Type, COL5A1-Related; EDS I. Identifiers: MedGen C0268335, MONDO:0019567, OMIM 130000.
Osteogenesis imperfecta type I (OI1). Also called: OI, TYPE I; OSTEOGENESIS IMPERFECTA TARDA; OSTEOGENESIS IMPERFECTA WITH BLUE SCLERAE; Osteogenesis imperfecta type 1; Lobstein's Disease; Lobstein disease. Identifiers: Orphanet 216796, Orphanet 666, MedGen C0023931, MONDO:0008146, OMIM 166200. Disease mechanism: loss of function.

Submission:

Labcorp Genetics (formerly Invitae), Labcorp
Classification: Likely pathogenic for Osteogenesis imperfecta type I; Ehlers-Danlos syndrome, classic type, 1. Last evaluated: 2024-04-25. Review status: criteria provided, single submitter. Criteria: Invitae Variant Classification Sherloc (09022015). Collection method: clinical testing. Allele origin: germline.
Comment: This sequence change replaces glycine, which is neutral and non-polar, with aspartic acid, which is acidic and polar, at codon 514 of the COL1A2 protein (p.Gly514Asp). This variant is not present in population databases (gnomAD no frequency). This variant has not been reported in the literature in individuals affected with COL1A2-related conditions. Advanced modeling of protein sequence and biophysical properties (such as structural, functional, and spatial information, amino acid conservation, physicochemical variation, residue mobility, and thermodynamic stability) performed at Invitae indicates that this missense variant is expected to disrupt COL1A2 protein function with a positive predictive value of 95%. This variant disrupts the triple helix domain of COL1A2. Glycine residues within the Gly-Xaa-Yaa repeats of the triple helix domain are required for the structure and stability of fibrillar collagens (PMID: 7695699, 8218237, 19344236). In COL1A2, variants affecting these glycine residues are significantly enriched in individuals with disease (PMID: 9016532, 17078022) compared to the general population (ExAC). This variant disrupts the p.Gly514 amino acid residue in COL1A2. Other variant(s) that disrupt this residue have been observed in individuals with COL1A2-related conditions (PMID: 35154279; Invitae), which suggests that this may be a clinically significant amino acid residue. In summary, the currently available evidence indicates that the variant is pathogenic, but additional data are needed to prove that conclusively. Therefore, this variant has been classified as Likely Pathogenic.

Literature cited by the submitters: PubMed 7695699; PubMed 8218237; PubMed 19344236; PubMed 9016532; PubMed 17078022; PubMed 35154279.